The following is an entry in ClinVar:

ClinVar aggregate classification (germline): Uncertain significance (1 of 4 stars; one submission).

Allele frequency attached by ClinVar (database versions not stated): ExAC 0.00001; gnomAD 0.00001; gnomAD exomes 0.00001; 1000 Genomes Project 30x 0.00021; 1000 Genomes Project 0.00026.

Submission:

Labcorp Genetics (formerly Invitae), Labcorp
Classification: Uncertain significance. Last evaluated: 2022-06-13. Review status: criteria provided, single submitter. Criteria: Invitae Variant Classification Sherloc (09022015). Collection method: clinical testing. Allele origin: germline.
Comment: This sequence change replaces aspartic acid, which is acidic and polar, with tyrosine, which is neutral and polar, at codon 31 of the RS1 protein (p.Asp31Tyr). This variant is present in population databases (rs776900786, gnomAD 0.004%). This variant has not been reported in the literature in individuals affected with RS1-related conditions. Advanced modeling of protein sequence and biophysical properties (such as structural, functional, and spatial information, amino acid conservation, physicochemical variation, residue mobility, and thermodynamic stability) performed at Invitae indicates that this missense variant is not expected to disrupt RS1 protein function. In summary, the available evidence is currently insufficient to determine the role of this variant in disease. Therefore, it has been classified as a Variant of Uncertain Significance.

NM_000330.4(RS1):c.91G>T (p.Asp31Tyr)

Gene: RS1 (retinoschisin 1; minus strand). Cytogenetic location: Xp22.13.
Variant type: single nucleotide variant.
Coding change: c.91G>T on transcript NM_000330.4 (MANE Select); coding-DNA position 91, G replaced by T.
Protein change: p.Asp31Tyr; replaces aspartic acid 31 with tyrosine.
Molecular consequence: missense variant.
Genome position (GRCh38, 1-based): chrX:18,656,746, C>A on the plus strand (G>T on the coding strand, the complement: RS1 is on the minus strand). VCF-style: chrX-18656746-C-A. GRCh37 (hg19) VCF-style: chrX-18674866-C-A.
Other names: short protein forms D31Y.
Identifiers: ClinVar variation 1466963 (VCV001466963.5), dbSNP rs776900786, ClinGen allele CA10360806.